The following is an entry in ClinVar:

ClinVar aggregate classification (germline): Uncertain significance. Review status: criteria provided, single submitter (1 of 4 stars). 2 submissions from 2 submitters: Uncertain significance (1). 1 of the submissions does not count toward it. Last evaluated 2024-03-04.

Conditions:
VPS33B-related disorder. Also called: VPS33B-related condition.

gnomAD v4.1: 20 of 1,613,254 alleles (0.0012%); highest among the groups gnomAD compares: Non-Finnish European, 0.0015%; no homozygotes.

Submissions (2):

Labcorp Genetics (formerly Invitae), Labcorp
Classification: Uncertain significance. Last evaluated: 2024-03-04. Review status: criteria provided, single submitter. Criteria: Invitae Variant Classification Sherloc (09022015). Collection method: clinical testing. Allele origin: germline.
Comment: This sequence change replaces glycine, which is neutral and non-polar, with arginine, which is basic and polar, at codon 514 of the VPS33B protein (p.Gly514Arg). This variant is present in population databases (rs11073964, gnomAD 0.005%). This variant has not been reported in the literature in individuals affected with VPS33B-related conditions. ClinVar contains an entry for this variant (Variation ID: 1941042). Advanced modeling of protein sequence and biophysical properties (such as structural, functional, and spatial information, amino acid conservation, physicochemical variation, residue mobility, and thermodynamic stability) performed at Invitae indicates that this missense variant is not expected to disrupt VPS33B protein function with a negative predictive value of 80%. In summary, the available evidence is currently insufficient to determine the role of this variant in disease. Therefore, it has been classified as a Variant of Uncertain Significance.

PreventionGenetics, part of Exact Sciences
Classification: Uncertain significance for VPS33B-related condition. Last evaluated: 2024-04-16. Review status: no assertion criteria provided. Collection method: clinical testing. Allele origin: germline. Not counted in ClinVar's aggregate classification.
Comment: The VPS33B c.1540G>C variant is predicted to result in the amino acid substitution p.Gly514Arg. To our knowledge, this variant has not been reported in the literature. This variant is reported in 0.0053% of alleles in individuals of European (Non-Finnish) descent in gnomAD. At this time, the clinical significance of this variant is uncertain due to the absence of conclusive functional and genetic evidence.

NM_018668.5(VPS33B):c.1540G>C (p.Gly514Arg)

Gene: VPS33B (VPS33B late endosome and lysosome associated; minus strand). Cytogenetic location: 15q26.1.
Variant type: single nucleotide variant.
Coding change: c.1540G>C on transcript NM_018668.5 (MANE Select); coding-DNA position 1540, G replaced by C.
Protein change: p.Gly514Arg; replaces glycine 514 with arginine.
Molecular consequence: missense variant.
Genome position (GRCh38, 1-based): chr15:91,000,531, C>G on the plus strand (G>C on the coding strand, the complement: VPS33B is on the minus strand). VCF-style: chr15-91000531-C-G. GRCh37 (hg19) VCF-style: chr15-91543761-C-G.
Other names: c.1459G>C, p.Gly487Arg (NM_001289148.1); c.1267G>C, p.Gly423Arg (NM_001289149.1); short protein forms G487R, G423R, G514R.
Identifiers: ClinVar variation 1941042 (VCV001941042.6), dbSNP rs11073964, ClinGen allele CA7744602.